The following is an entry in ClinVar:

NM_000211.5(ITGB2):c.1063C>G (p.Leu355Val)

Gene: ITGB2 (integrin subunit beta 2; minus strand). Cytogenetic location: 21q22.3.
Variant type: single nucleotide variant.
Coding change: c.1063C>G on transcript NM_000211.5 (MANE Select); coding-DNA position 1063, C replaced by G.
Protein change: p.Leu355Val; replaces leucine 355 with valine.
Molecular consequence: missense variant.
Genome position (GRCh38, 1-based): chr21:44,894,991, G>C on the plus strand (C>G on the coding strand, the complement: ITGB2 is on the minus strand). VCF-style: chr21-44894991-G-C. GRCh37 (hg19) VCF-style: chr21-46314906-G-C.
Other names: c.1063C>G, p.Leu355Val (NM_001127491.3); c.856C>G, p.Leu286Val (NM_001303238.2); short protein forms L355V, L286V.
Identifiers: ClinVar variation 3725331 (VCV003725331.2).

ClinVar aggregate classification (germline): Uncertain significance (1 of 4 stars; one submission).

Conditions:
Leukocyte adhesion deficiency 1 (LAD1). Also called: LAD 1; Lymphocyte function-associated antigen 1 immunodeficiency; LFA 1 immunodeficiency; LEUKOCYTE ADHESION DEFICIENCY, TYPE I. Identifiers: Orphanet 2968, Orphanet 99842, MedGen C0398738, MONDO:0007293, OMIM 116920.

Submission:

Labcorp Genetics (formerly Invitae), Labcorp
Classification: Uncertain significance for Leukocyte adhesion deficiency 1. Last evaluated: 2024-11-15. Review status: criteria provided, single submitter. Criteria: Invitae Variant Classification Sherloc (09022015). Collection method: clinical testing. Allele origin: germline.
Comment: This sequence change replaces leucine, which is neutral and non-polar, with valine, which is neutral and non-polar, at codon 355 of the ITGB2 protein (p.Leu355Val). This variant is not present in population databases (gnomAD no frequency). This variant has not been reported in the literature in individuals affected with ITGB2-related conditions. Experimental studies and prediction algorithms are not available or were not evaluated, and the functional significance of this variant is currently unknown. In summary, the available evidence is currently insufficient to determine the role of this variant in disease. Therefore, it has been classified as a Variant of Uncertain Significance.